The following is an entry in ClinVar:

ClinVar aggregate classification (germline): Uncertain significance. Review status: criteria provided, multiple submitters, no conflicts (2 of 4 stars). 3 submissions from 3 submitters: Uncertain significance (3). Last evaluated 2025-08-11.

Conditions:
Inborn genetic diseases. Identifiers: MedGen C0950123, MeSH D030342.

Allele frequency attached by ClinVar (database versions not stated): ExAC 0.00001; gnomAD 0.00001; TOPMed 0.00001; gnomAD exomes 0.00002.

Submissions (3):

Ambry Genetics
Classification: Uncertain significance for Inborn genetic diseases. Last evaluated: 2025-08-11. Review status: criteria provided, single submitter. Criteria: Ambry Variant Classification Scheme 2023. Collection method: clinical testing. Allele origin: germline.

Labcorp Genetics (formerly Invitae), Labcorp
Classification: Uncertain significance. Last evaluated: 2025-03-17. Review status: criteria provided, single submitter. Criteria: Invitae Variant Classification Sherloc (09022015). Collection method: clinical testing. Allele origin: germline.
Comment: This sequence change replaces arginine, which is basic and polar, with serine, which is neutral and polar, at codon 270 of the RBP3 protein (p.Arg270Ser). This variant is present in population databases (rs782280261, gnomAD 0.002%). This variant has not been reported in the literature in individuals affected with RBP3-related conditions. ClinVar contains an entry for this variant (Variation ID: 2072900). An algorithm developed to predict the effect of missense changes on protein structure and function (PolyPhen-2) suggests that this variant is likely to be disruptive. In summary, the available evidence is currently insufficient to determine the role of this variant in disease. Therefore, it has been classified as a Variant of Uncertain Significance.

Blueprint Genetics
Classification: Uncertain significance. Last evaluated: 2021-12-24. Review status: criteria provided, single submitter. Criteria: ACMG Guidelines, 2015. Collection method: clinical testing. Allele origin: germline.

NM_002900.3(RBP3):c.810G>C (p.Arg270Ser)

Gene: RBP3 (retinol binding protein 3; plus strand). Cytogenetic location: 10q11.22.
Variant type: single nucleotide variant.
Coding change: c.810G>C on transcript NM_002900.3 (MANE Select); coding-DNA position 810, G replaced by C.
Protein change: p.Arg270Ser; replaces arginine 270 with serine.
Molecular consequence: missense variant.
Genome position (GRCh38, 1-based): chr10:47,349,294, G>C. VCF-style: chr10-47349294-G-C. GRCh37 (hg19) VCF-style: chr10-48390068-C-G.
Other names: c.810G>C (NM_002900.2); short protein forms R270S.
Identifiers: ClinVar variation 2072900 (VCV002072900.8), dbSNP rs782280261, ClinGen allele CA5487688.
Genomic context (GRCh38, chr10:47,349,294, plus strand): 5'-CAGGGCCATCGTGGTGGGCGAGCGGACTGGGGGAGGGGCCCTGGACCTCCGGAAGCTGAG[G>C]ATAGGCGAGTCTGACTTCTTCTTCACGGTGCCCGTGTCCAGGTCCCTGGGGCCCCTTGGT-3'
Protein context (NP_002891.1, residues 260-280): GGGALDLRKL[Arg270Ser]IGESDFFFTV